The following is an entry in ClinVar:

NM_016360.4(TACO1):c.387+1G>A

Gene: TACO1 (translational activator of cytochrome c oxidase I; plus strand). Cytogenetic location: 17q23.3.
Variant type: single nucleotide variant.
Coding change: c.387+1G>A on transcript NM_016360.4 (MANE Select); the canonical splice donor site of the intron after coding-DNA position 387, G replaced by A.
Molecular consequence: splice donor variant.
Genome position (GRCh38, 1-based): chr17:63,604,641, G>A. VCF-style: chr17-63604641-G-A. GRCh37 (hg19) VCF-style: chr17-61682001-G-A.
Identifiers: ClinVar variation 4527041 (VCV004527041.1).
Genomic context (GRCh38, chr17:63,604,641, plus strand): 5'-GAGGTGTGTCGCAGCAAACATATGCCCAAGTCAACGATTGAGACAGCACTGAAAATGGAG[G>A]TGTGTACTGTTTGACATGCTTTTTATTGATCACAGCCTCTACCGGGCTCATGTCTGGATG-3'

ClinVar aggregate classification (germline): Likely pathogenic (1 of 4 stars; one submission).

Submission:

GeneDx
Classification: Likely pathogenic. Last evaluated: 2025-04-30. Review status: criteria provided, single submitter. Criteria: GeneDx Variant Classification Process June 2021. Collection method: clinical testing. Allele origin: germline. Affected: yes.
Comment: Canonical splice site variant predicted to result in a null allele in a gene for which loss of function is a known mechanism of disease; Not observed at significant frequency in large population cohorts (gnomAD); Has not been previously published as pathogenic or benign to our knowledge